The following is an entry in ClinVar:

NM_031935.3(HMCN1):c.14150G>A (p.Gly4717Glu)

Gene: HMCN1 (hemicentin 1; plus strand). Cytogenetic location: 1q31.1.
Variant type: single nucleotide variant.
Coding change: c.14150G>A on transcript NM_031935.3 (MANE Select); coding-DNA position 14150, G replaced by A.
Protein change: p.Gly4717Glu; replaces glycine 4717 with glutamic acid.
Molecular consequence: missense variant.
Genome position (GRCh38, 1-based): chr1:186,144,587, G>A. VCF-style: chr1-186144587-G-A. GRCh37 (hg19) VCF-style: chr1-186113719-G-A.
Other names: short protein forms G4717E.
Identifiers: ClinVar variation 1427670 (VCV001427670.6), dbSNP rs1207896972, ClinGen allele CA343915197.
Genomic context (GRCh38, chr1:186,144,587, plus strand): 5'-TTCCAGTTCATGGCAAGTGGGCGACTTGGGCCAGTTGGAGTGCCTGTTCTGTGTCATGTG[G>A]AGGAGGTGCCAGACAGAGAACAAGGGGCTGCTCCGACCCTGTGCCCCAGTATGGAGGAAG-3'
Protein context (NP_114141.2, residues 4707-4727): ASWSACSVSC[Gly4717Glu]GGARQRTRGC

ClinVar aggregate classification (germline): Uncertain significance (1 of 4 stars; one submission).

Allele frequency attached by ClinVar (database versions not stated): gnomAD exomes below 0.00001; gnomAD 0.00001.
gnomAD v4.1: 2 of 1,614,020 alleles (0.00012%); highest among the groups gnomAD compares: African/African-American, 0.0013%; no homozygotes.

Submission:

Labcorp Genetics (formerly Invitae), Labcorp
Classification: Uncertain significance. Last evaluated: 2022-06-12. Review status: criteria provided, single submitter. Criteria: Invitae Variant Classification Sherloc (09022015). Collection method: clinical testing. Allele origin: germline.
Comment: This sequence change replaces glycine, which is neutral and non-polar, with glutamic acid, which is acidic and polar, at codon 4717 of the HMCN1 protein (p.Gly4717Glu). In summary, the available evidence is currently insufficient to determine the role of this variant in disease. Therefore, it has been classified as a Variant of Uncertain Significance. Algorithms developed to predict the effect of missense changes on protein structure and function are either unavailable or do not agree on the potential impact of this missense change (SIFT: "Deleterious"; PolyPhen-2: "Probably Damaging"; Align-GVGD: "Class C0"). This variant has not been reported in the literature in individuals affected with HMCN1-related conditions. This variant is present in population databases (no rsID available, gnomAD 0.01%).